The following is an entry in ClinVar:

NM_005560.6(LAMA5):c.1655G>A (p.Arg552His)

Gene: LAMA5 (laminin subunit alpha 5; minus strand). Cytogenetic location: 20q13.33.
Variant type: single nucleotide variant.
Coding change: c.1655G>A on transcript NM_005560.6 (MANE Select); coding-DNA position 1655, G replaced by A.
Protein change: p.Arg552His; replaces arginine 552 with histidine.
Molecular consequence: missense variant.
Genome position (GRCh38, 1-based): chr20:62,338,333, C>T on the plus strand (G>A on the coding strand, the complement: LAMA5 is on the minus strand). VCF-style: chr20-62338333-C-T. GRCh37 (hg19) VCF-style: chr20-60913389-C-T.
Other names: short protein forms R552H.
Identifiers: ClinVar variation 2635955 (VCV002635955.8), dbSNP rs373397574, ClinGen allele CA9943798.
Genomic context (GRCh38, chr20:62,338,333, plus strand): 5'-TCACATGTGGCCCCCTCGAAGCCCACTCGGCACCTGCACTGGCCTGTGTCAGGGTCACAG[C>T]GGTCATCGGCCACTCCAGGGCTGGAACACTGGCAGGCTGCAGGAAAGGGTGGCCCACATG-3'
Protein context (NP_005551.3, residues 542-562): QCSSPGVADD[Arg552His]CDPDTGQCRC

ClinVar aggregate classification (germline): Uncertain significance. Review status: criteria provided, multiple submitters, no conflicts (2 of 4 stars). 3 submissions from 3 submitters: Uncertain significance (3). Last evaluated 2026-01-01.

Conditions:
LAMA5-related disorder. Also called: LAMA5-Related Disorders; LAMA5-related condition.

Allele frequency attached by ClinVar (database versions not stated): gnomAD 0.00012; TOPMed 0.00015; ESP Exome Variant Server 0.00023.
gnomAD v4.1: 48 of 1,608,130 alleles (0.003%); highest among the groups gnomAD compares: African/African-American, 0.032%; no homozygotes.

Submissions (3):

CeGaT Center for Human Genetics Tuebingen
Classification: Uncertain significance. Last evaluated: 2026-01-01. Review status: criteria provided, single submitter. Criteria: CeGaT Center For Human Genetics Tuebingen Variant Classification Criteria Version 2. Collection method: clinical testing. Allele origin: germline. Affected: yes. Observed: 1 variant allele.
Comment: LAMA5: PM2, BP4

Labcorp Genetics (formerly Invitae), Labcorp
Classification: Uncertain significance. Last evaluated: 2024-06-03. Review status: criteria provided, single submitter. Criteria: Invitae Variant Classification Sherloc (09022015). Collection method: clinical testing. Allele origin: germline.
Comment: This sequence change replaces arginine, which is basic and polar, with histidine, which is basic and polar, at codon 552 of the LAMA5 protein (p.Arg552His). This variant is present in population databases (rs373397574, gnomAD 0.04%). This variant has not been reported in the literature in individuals affected with LAMA5-related conditions. ClinVar contains an entry for this variant (Variation ID: 2635955). Algorithms developed to predict the effect of missense changes on protein structure and function output the following: SIFT: "Not Available"; PolyPhen-2: "Benign"; Align-GVGD: "Not Available". The histidine amino acid residue is found in multiple mammalian species, which suggests that this missense change does not adversely affect protein function. In summary, the available evidence is currently insufficient to determine the role of this variant in disease. Therefore, it has been classified as a Variant of Uncertain Significance.

PreventionGenetics, part of Exact Sciences
Classification: Uncertain significance for LAMA5-related condition. Last evaluated: 2023-06-20. Review status: criteria provided, single submitter. Criteria: ACMG Guidelines, 2015. Collection method: clinical testing. Allele origin: germline.
Comment: The LAMA5 c.1655G>A variant is predicted to result in the amino acid substitution p.Arg552His. To our knowledge, this variant has not been reported in the literature. This variant is reported in 0.038% of alleles in individuals of African descent in gnomAD. At this time, the clinical significance of this variant is uncertain due to the absence of conclusive functional and genetic evidence.